The following is an entry in ClinVar:

ClinVar aggregate classification (germline): Likely benign (1 of 4 stars; one submission).

Conditions:
Malignant hyperthermia, susceptibility to, 1 (MHS1). Also called: Anesthesia related hyperthermia; Malignant hyperpyrexia; Fulminating hyperpyrexia; Pharmacogenic myopathy; RYR1-Related Malignant Hyperthermia Susceptibility; Malignant hyperthermia suceptibility 1. Identifiers: Orphanet 423, MedGen C2930980, MONDO:0007783, OMIM 145600.

gnomAD v4.1: 14 of 1,612,488 alleles (0.00087%); highest among the groups gnomAD compares: Admixed American, 0.022%; no homozygotes.

Submission:

All of Us Research Program, National Institutes of Health
Classification: Likely benign for Malignant hyperthermia, susceptibility to, 1. Last evaluated: 2024-06-17. Review status: criteria provided, single submitter. Criteria: ACMG Guidelines, 2015. Collection method: clinical testing. Allele origin: germline. Inheritance: Autosomal dominant inheritance. Observed: 1 variant allele, 1 heterozygote.
Comment: This study involves interpretation of variants in research participants for the purpose of population health screening. Participant phenotype was not available at the time of variant classification. Additional details can be found in publication PMID: 35346344, PMCID: PMC8962531

NM_000540.3(RYR1):c.5410C>T (p.Leu1804=)

Gene: RYR1 (ryanodine receptor 1; plus strand). Cytogenetic location: 19q13.2.
Variant type: single nucleotide variant.
Coding change: c.5410C>T on transcript NM_000540.3 (MANE Select); coding-DNA position 5410, C replaced by T.
Protein change: p.Leu1804=; no amino-acid change (leucine 1804 retained).
Molecular consequence: synonymous variant.
Genome position (GRCh38, 1-based): chr19:38,486,065, C>T. VCF-style: chr19-38486065-C-T. GRCh37 (hg19) VCF-style: chr19-38976705-C-T.
Other names: c.5410C>T, p.Leu1804= (NM_001042723.2).
Identifiers: ClinVar variation 3387736 (VCV003387736.1).
Genomic context (GRCh38, chr19:38,486,065, plus strand): 5'-GCCGCTCTGCCAGCTGCTGGGGCAGCAGAGGCCCCGGCCCGCCTCAGCCCTGCCATCCCG[C>T]TGGAGGCCCTGCGGGACAAGGCACTGAGGATGCTGGGGGAGGCGGTGCGCGACGGTGGGC-3'
Protein context (NP_000531.2, residues 1794-1814): APARLSPAIP[Leu1804=]EALRDKALRM